The following is an entry in ClinVar:

NM_005476.7(GNE):c.1759A>G (p.Ile587Val)

Gene: GNE (glucosamine (UDP-N-acetyl)-2-epimerase/N-acetylmannosamine kinase; minus strand). Cytogenetic location: 9p13.3.
Variant type: single nucleotide variant.
Coding change: c.1759A>G on transcript NM_005476.7 (MANE Select); coding-DNA position 1759, A replaced by G.
Protein change: p.Ile587Val; replaces isoleucine 587 with valine.
Molecular consequence: missense variant.
Genome position (GRCh38, 1-based): chr9:36,219,895, T>C on the plus strand (A>G on the coding strand, the complement: GNE is on the minus strand). VCF-style: chr9-36219895-T-C. GRCh37 (hg19) VCF-style: chr9-36219892-T-C.
Other names: c.1852A>G, p.Ile618Val (NM_001128227.3); c.1537A>G, p.Ile513Val (NM_001190383.3); c.1429A>G, p.Ile477Val (NM_001190384.3); c.1582A>G, p.Ile528Val (NM_001190388.2, NM_001374798.1); c.1606A>G, p.Ile536Val (NM_001374797.1); short protein forms I528V, I477V, I587V, I618V, I513V, I536V.
Identifiers: ClinVar variation 2101551 (VCV002101551.5), dbSNP rs2489603923, ClinGen allele CA373425591.

ClinVar aggregate classification (germline): Uncertain significance. Review status: criteria provided, multiple submitters, no conflicts (2 of 4 stars). 2 submissions from 2 submitters: Uncertain significance (2). Last evaluated 2025-07-22.

Conditions:
GNE myopathy (NM). Also called: MYOPATHY, DISTAL, WITH OR WITHOUT RIMMED VACUOLES; INCLUSION BODY MYOPATHY, HEREDITARY, AUTOSOMAL RECESSIVE; INCLUSION BODY MYOPATHY 2, AUTOSOMAL RECESSIVE; NONAKA DISTAL MYOPATHY; IBM 2; Inclusion body myopathy autosomal recessive. Identifiers: Orphanet 602, MedGen C1853926, MONDO:0011603, OMIM 605820.
Sialuria. Also called: SIALURIA, FRENCH TYPE; Sialic Acid Storage Disease. Identifiers: Orphanet 3166, MedGen C0342853, MONDO:0010028, OMIM 269921.

Submissions (2):

Women's Health and Genetics/Laboratory Corporation of America, LabCorp
Classification: Uncertain significance. Last evaluated: 2025-07-22. Review status: criteria provided, single submitter. Criteria: LabCorp Variant Classification Summary - May 2015. Collection method: clinical testing. Allele origin: germline.
Comment: Variant summary: GNE c.1852A>G (p.Ile618Val) results in a conservative amino acid change in the encoded protein sequence. Algorithms developed to predict the effect of missense changes on protein structure and function are either unavailable or do not agree on the potential impact of this missense change. The variant was absent in 251492 control chromosomes. The available data on variant occurrences in the general population are insufficient to allow any conclusion about variant significance. To our knowledge, no occurrence of c.1852A>G in individuals affected with Inclusion Body Myopathy 2 and no experimental evidence demonstrating its impact on protein function have been reported. ClinVar contains an entry for this variant (Variation ID: 2101551). Based on the evidence outlined above, the variant was classified as uncertain significance.

Labcorp Genetics (formerly Invitae), Labcorp
Classification: Uncertain significance for Sialuria; GNE myopathy. Last evaluated: 2022-02-22. Review status: criteria provided, single submitter. Criteria: Invitae Variant Classification Sherloc (09022015). Collection method: clinical testing. Allele origin: germline.
Comment: In summary, the available evidence is currently insufficient to determine the role of this variant in disease. Therefore, it has been classified as a Variant of Uncertain Significance. This variant disrupts the p.Ile618 amino acid residue in GNE. Other variant(s) that disrupt this residue have been determined to be pathogenic (PMID: 12497639, 16503651, 24695763, 26231298). This suggests that this residue is clinically significant, and that variants that disrupt this residue are likely to be disease-causing. Algorithms developed to predict the effect of sequence changes on RNA splicing suggest that this variant may create or strengthen a splice site. Advanced modeling of protein sequence and biophysical properties (such as structural, functional, and spatial information, amino acid conservation, physicochemical variation, residue mobility, and thermodynamic stability) performed at Invitae indicates that this missense variant is not expected to disrupt GNE protein function. This variant has not been reported in the literature in individuals affected with GNE-related conditions. This variant is not present in population databases (gnomAD no frequency). This sequence change replaces isoleucine, which is neutral and non-polar, with valine, which is neutral and non-polar, at codon 618 of the GNE protein (p.Ile618Val).

Literature cited by the submitters: PubMed 12497639 (cited by Labcorp Genetics (formerly Invitae), Labcorp); PubMed 16503651 (cited by Labcorp Genetics (formerly Invitae), Labcorp); PubMed 24695763 (cited by Labcorp Genetics (formerly Invitae), Labcorp); PubMed 26231298 (cited by Labcorp Genetics (formerly Invitae), Labcorp).